The following is an entry in ClinVar:

NM_006186.4(NR4A2):c.131T>G (p.Met44Arg)

Gene: NR4A2 (nuclear receptor subfamily 4 group A member 2; minus strand). Cytogenetic location: 2q24.1.
Variant type: single nucleotide variant.
Coding change: c.131T>G on transcript NM_006186.4 (MANE Select); coding-DNA position 131, T replaced by G.
Protein change: p.Met44Arg; replaces methionine 44 with arginine.
Molecular consequence: missense variant. On other transcripts: intron variant (1).
Genome position (GRCh38, 1-based): chr2:156,330,056, A>C on the plus strand (T>G on the coding strand, the complement: NR4A2 is on the minus strand). VCF-style: chr2-156330056-A-C. GRCh37 (hg19) VCF-style: chr2-157186568-A-C.
Other names: c.-13-46T>G (NM_173173.3); short protein forms M44R.
Identifiers: ClinVar variation 4881958 (VCV004881958.2).

ClinVar aggregate classification (germline): Uncertain significance (1 of 4 stars; one submission).

Conditions:
Intellectual developmental disorder with language impairment and early-onset DOPA-responsive dystonia-parkinsonism (IDLDP). Identifiers: Orphanet 660017, MedGen C5677001, MONDO:0859257, OMIM 619911.

Submission:

Dasa
Classification: Uncertain significance for Intellectual developmental disorder with language impairment and early-onset DOPA-responsive dystonia-parkinsonism. Last evaluated: 2025-12-19. Review status: criteria provided, single submitter. Criteria: DASA Assertion Criteria. Collection method: clinical testing. Allele origin: germline.
Comment: NM_006186.4(NR4A2):c.131T>G (p.Met44Arg) is a missense variant that results in the substitution of methionine with arginine. This variant is rare in population databases. Computational prediction algorithms are consistent with a deleterious effect. The currently available literature and clinical evidence are not sufficient to establish a definitive association between this variant and the reported condition. Therefore, this variant is classified as a variant of uncertain significance.